The following is an entry in ClinVar:

NM_007294.4(BRCA1):c.815_824del (p.Glu272fs)

Gene: BRCA1 (BRCA1 DNA repair associated; minus strand). Cytogenetic location: 17q21.31.
Variant type: Deletion.
Coding change: c.815_824del on transcript NM_007294.4 (MANE Select); coding-DNA positions 815 to 824, 10 bases deleted (AGCCATGTGG; older notation c.815_824delAGCCATGTGG).
Protein change: p.Glu272fs; shifts the reading frame from glutamic acid 272.
Molecular consequence: frameshift variant. On other transcripts: 5 prime UTR variant (2), intron variant (137).
Genome position (GRCh38, 1-based): chr17:43,094,707-43,094,716, CCACATGGCT deleted on the plus strand (AGCCATGTGG on the coding strand, the reverse complement: BRCA1 is on the minus strand); deleting any 10 consecutive bases within chr17:43,094,707-43,094,723 gives the same sequence; the c. name uses the placement nearest the transcript's 3' end. VCF-style (leftmost placement, unchanged base first): chr17-43094706-GCCACATGGCT-G. GRCh37 (hg19) VCF-style: chr17-41246723-GCCACATGGCT-G.
Other names: c.674_683del, p.Glu225fs (NM_001407694.1, NM_001407695.1, NM_001407696.1 and 29 more transcripts); c.602_611del, p.Glu201fs (NM_001407571.1, NM_001407853.1, NM_001407894.1 and 9 more transcripts); c.815_824del, p.Glu272fs (NM_001407581.1, NM_001407582.1, NM_001407583.1 and 30 more transcripts); c.812_821del, p.Glu271fs (NM_001407587.1, NM_001407590.1, NM_001407591.1 and 22 more transcripts); c.806_815del, p.Glu269fs (NM_001407646.1, NM_001407647.1); c.692_701del, p.Glu231fs (NM_001407648.1, NM_001407664.1, NM_001407665.1 and 19 more transcripts); c.689_698del, p.Glu230fs (NM_001407649.1, NM_001407685.1, NM_001407686.1 and 11 more transcripts); c.734_743del, p.Glu245fs (NM_001407661.1, NM_001407662.1, NM_001407659.1 and 1 more transcripts); and 40 more; short protein forms E144fs, E161fs, E201fs, E204fs, E245fs, E272fs, E104fs, E183fs.
Identifiers: ClinVar variation 3148716 (VCV003148716.1), dbSNP rs387906563, ClinGen allele CA2825002521.

ClinVar aggregate classification (germline): Pathogenic (1 of 4 stars; one submission).

Conditions:
Breast-ovarian cancer, familial, susceptibility to, 1 (BROVCA1). Also called: BRCA1 Hereditary Breast and Ovarian Cancer; OVARIAN CANCER, SUSCEPTIBILITY TO. Identifiers: Orphanet 145, MedGen C2676676, MONDO:0011450, OMIM 604370. Disease mechanism: loss of function.

Submission:

Myriad Genetics, Inc.
Classification: Pathogenic for Breast-ovarian cancer, familial, susceptibility to, 1. Last evaluated: 2024-03-04. Review status: criteria provided, single submitter. Criteria: Myriad Autosomal Dominant, Autosomal Recessive and X-Linked Classification Criteria (2023). Collection method: clinical testing. Allele origin: unknown.
Comment: This variant is considered pathogenic. This variant creates a frameshift predicted to result in premature protein truncation.